The following is an entry in ClinVar:

NM_024721.5(ZFHX4):c.6138A>C (p.Pro2046=)

Gene: ZFHX4 (zinc finger homeobox 4; plus strand). Cytogenetic location: 8q21.13.
Variant type: single nucleotide variant.
Coding change: c.6138A>C on transcript NM_024721.5 (MANE Select); coding-DNA position 6138, A replaced by C.
Protein change: p.Pro2046=; no amino-acid change (proline 2046 retained).
Molecular consequence: synonymous variant.
Genome position (GRCh38, 1-based): chr8:76,853,059, A>C. VCF-style: chr8-76853059-A-C. GRCh37 (hg19) VCF-style: chr8-77765295-A-C.
Other names: c.6060A>C, p.Pro2020= (NM_001410934.1).
Identifiers: ClinVar variation 3771191 (VCV003771191.13).

ClinVar aggregate classification (germline): Likely benign (1 of 4 stars; one submission).

Submission:

CeGaT Center for Human Genetics Tuebingen
Classification: Likely benign. Last evaluated: 2025-02-01. Review status: criteria provided, single submitter. Criteria: CeGaT Center For Human Genetics Tuebingen Variant Classification Criteria Version 2. Collection method: clinical testing. Allele origin: germline. Affected: yes. Observed: 1 variant allele.
Comment: ZFHX4: BP4, BP7